The following is an entry in ClinVar:

ClinVar aggregate classification (germline): Uncertain significance. Review status: criteria provided, multiple submitters, no conflicts (2 of 4 stars). 3 submissions from 3 submitters: Uncertain significance (3). Last evaluated 2024-11-19.

Allele frequency attached by ClinVar (database versions not stated): TOPMed 0.00001.
gnomAD v4.1: 18 of 1,613,948 alleles (0.0011%); highest among the groups gnomAD compares: East Asian, 0.0022%; no homozygotes.

Submissions (3):

Ambry Genetics
Classification: Uncertain significance. Last evaluated: 2024-11-19. Review status: criteria provided, single submitter. Criteria: Ambry Variant Classification Scheme 2023. Collection method: clinical testing. Allele origin: germline.

Labcorp Genetics (formerly Invitae), Labcorp
Classification: Uncertain significance. Last evaluated: 2022-05-17. Review status: criteria provided, single submitter. Criteria: Invitae Variant Classification Sherloc (09022015). Collection method: clinical testing. Allele origin: germline.
Comment: In summary, the available evidence is currently insufficient to determine the role of this variant in disease. Therefore, it has been classified as a Variant of Uncertain Significance. Algorithms developed to predict the effect of missense changes on protein structure and function output the following: SIFT: "Tolerated"; PolyPhen-2: "Benign"; Align-GVGD: "Class C0". The threonine amino acid residue is found in multiple mammalian species, which suggests that this missense change does not adversely affect protein function. This variant has not been reported in the literature in individuals affected with SERPINB8-related conditions. This variant is present in population databases (no rsID available, gnomAD 0.004%). This sequence change replaces alanine, which is neutral and non-polar, with threonine, which is neutral and polar, at codon 239 of the SERPINB8 protein (p.Ala239Thr).

Breakthrough Genomics
Classification: Uncertain significance. Review status: criteria provided, single submitter. Criteria: ACMG Guidelines, 2015. Collection method: not provided. Allele origin: germline. Inheritance: Autosomal recessive inheritance. Affected: yes.

NM_002640.4(SERPINB8):c.715G>A (p.Ala239Thr)

Gene: SERPINB8 (serpin family B member 8; plus strand). Cytogenetic location: 18q22.1.
Variant type: single nucleotide variant.
Coding change: c.715G>A on transcript NM_002640.4 (MANE Select); coding-DNA position 715, G replaced by A.
Protein change: p.Ala239Thr; replaces alanine 239 with threonine.
Molecular consequence: missense variant. On other transcripts: non-coding transcript variant (1).
Genome position (GRCh38, 1-based): chr18:63,985,240, G>A. VCF-style: chr18-63985240-G-A. GRCh37 (hg19) VCF-style: chr18-61652474-G-A.
Other names: c.715G>A, p.Ala239Thr (NM_001031848.2, NM_001348367.2, NM_001348368.2 and 3 more transcripts); c.169G>A, p.Ala57Thr (NM_001276490.2); c.175G>A, p.Ala59Thr (NM_001348370.2); c.715G>A (NM_198833.1); short protein forms A57T, A59T, A239T.
Identifiers: ClinVar variation 2070207 (VCV002070207.6), dbSNP rs983037446, ClinGen allele CA301845476.